The following is an entry in ClinVar:

NM_000443.4(ABCB4):c.539A>G (p.Asp180Gly)

Gene: ABCB4 (ATP binding cassette subfamily B member 4; minus strand). Cytogenetic location: 7q21.12.
Variant type: single nucleotide variant.
Coding change: c.539A>G on transcript NM_000443.4 (MANE Select); coding-DNA position 539, A replaced by G.
Protein change: p.Asp180Gly; replaces aspartic acid 180 with glycine.
Molecular consequence: missense variant.
Genome position (GRCh38, 1-based): chr7:87,451,792, T>C on the plus strand (A>G on the coding strand, the complement: ABCB4 is on the minus strand). VCF-style: chr7-87451792-T-C. GRCh37 (hg19) VCF-style: chr7-87081108-T-C.
Other names: c.539A>G, p.Asp180Gly (NM_018849.3, NM_018850.3); short protein forms D180G.
Identifiers: ClinVar variation 5000100 (VCV005000100.1).
Genomic context (GRCh38, chr7:87,451,792, plus strand): 5'-GCTACTGCTTGAAAGAACATTCCAACCTTGTCACCAATTCCTTCACTGATTTTGGAGATG[T>C]CACTAAAAAAGATCACACCTAAGTGGTTACAGGCAGGAGGTTTCAGTTAGAAAGATGAAG-3'
Protein context (NP_000434.1, residues 170-190): TTELNTRLTD[Asp180Gly]ISKISEGIGD

ClinVar aggregate classification (germline): Uncertain significance (1 of 4 stars; one submission).

Conditions:
ABCB4-related disorder. Also called: ABCB4-related disorders; ABCB4-related condition.

gnomAD v4.1: 2 of 1,614,096 alleles (0.00012%); highest among the groups gnomAD compares: East Asian, 0.0022%; no homozygotes.

Submission:

PreventionGenetics, part of Exact Sciences
Classification: Uncertain significance for ABCB4-related condition. Last evaluated: 2025-04-09. Review status: criteria provided, single submitter. Criteria: ACMG Guidelines, 2015. Collection method: clinical testing. Allele origin: germline.
Comment: The ABCB4 c.539A>G variant is predicted to result in the amino acid substitution p.Asp180Gly. To our knowledge, this variant has not been reported in the literature. This variant is reported in 0.064% of alleles in individuals of East Asian descent in gnomAD. At this time, the clinical significance of this variant is uncertain due to the absence of conclusive functional and genetic evidence.